The following is an entry in ClinVar:

ClinVar aggregate classification (germline): Uncertain significance. Review status: criteria provided, multiple submitters, no conflicts (2 of 4 stars). 6 submissions from 6 submitters: Uncertain significance (4). 2 of the submissions do not count toward it. Last evaluated 2025-08-07.

Conditions:
Alstrom syndrome (ALMS). Identifiers: Orphanet 64, MedGen C0268425, MONDO:0008763, OMIM 203800.
Cardiovascular phenotype. Identifiers: MedGen CN230736.

Allele frequency attached by ClinVar (database versions not stated): ExAC 0.00001; TOPMed 0.00001; gnomAD exomes 0.00002; gnomAD 0.00001.
gnomAD v4.1: 32 of 1,596,236 alleles (0.002%); highest among the groups gnomAD compares: East Asian, 0.054%; no homozygotes.

Submissions (6):

3billion
Classification: Uncertain significance for Alstrom syndrome. Last evaluated: 2025-08-07. Review status: criteria provided, single submitter. Criteria: ACMG Guidelines, 2015. Collection method: clinical testing. Allele origin: germline. Affected: yes.
Comment: The variant is observed at an extremely low frequency in the gnomAD v4.1.0 dataset (total allele frequency: 0.002%). Predicted Consequence/Location: Intron variant In silico tools predict the variant to alter splicing and produce an abnormal transcript [SpliceAI: 0.63 (>=0.2, moderate evidence for spliceogenicity)]. The variant has been reported as of uncertain significance (ClinVar ID: VCV000555621). Therefore, this variant is classified as VUS according to the recommendation of ACMG/AMP guideline.

GeneDx
Classification: Uncertain significance. Last evaluated: 2024-05-20. Review status: criteria provided, single submitter. Criteria: GeneDx Variant Classification Process June 2021. Collection method: clinical testing. Allele origin: germline. Affected: yes.
Comment: Not observed at significant frequency in large population cohorts (gnomAD); Has not been previously published as pathogenic or benign to our knowledge; In silico analysis is inconclusive as to whether the variant alters gene splicing. In the absence of RNA/functional studies, the actual effect of this sequence change is unknown.

Ambry Genetics
Classification: Uncertain significance for Cardiovascular phenotype. Last evaluated: 2023-03-18. Review status: criteria provided, single submitter. Criteria: Ambry Variant Classification Scheme 2023. Collection method: clinical testing. Allele origin: germline.
Comment: The c.1435+5G>A intronic variant results from a G to A substitution 5 nucleotides after coding exon 7 in the ALMS1 gene. This nucleotide position is highly conserved in available vertebrate species. In silico splice site analysis predicts that this alteration may weaken the native splice donor site. Since supporting evidence is limited at this time, the clinical significance of this alteration remains unclear.

Labcorp Genetics (formerly Invitae), Labcorp
Classification: Uncertain significance for Alstrom syndrome. Last evaluated: 2022-10-24. Review status: criteria provided, single submitter. Criteria: Invitae Variant Classification Sherloc (09022015). Collection method: clinical testing. Allele origin: germline.
Comment: This sequence change falls in intron 7 of the ALMS1 gene. It does not directly change the encoded amino acid sequence of the ALMS1 protein. It affects a nucleotide within the consensus splice site. This variant is present in population databases (rs755613962, gnomAD 0.006%). This variant has not been reported in the literature in individuals affected with ALMS1-related conditions. ClinVar contains an entry for this variant (Variation ID: 555621). Variants that disrupt the consensus splice site are a relatively common cause of aberrant splicing (PMID: 17576681, 9536098). Algorithms developed to predict the effect of sequence changes on RNA splicing suggest that this variant may disrupt the consensus splice site. In summary, the available evidence is currently insufficient to determine the role of this variant in disease. Therefore, it has been classified as a Variant of Uncertain Significance.

Natera, Inc.
Classification: Uncertain significance for Alstrom syndrome. Last evaluated: 2020-10-27. Review status: no assertion criteria provided. Collection method: clinical testing. Allele origin: germline. Not counted in ClinVar's aggregate classification.

Counsyl
Classification: Uncertain significance for Alstrom syndrome. Last evaluated: 2017-12-14. Review status: no assertion criteria provided. Collection method: clinical testing. Allele origin: unknown. Not counted in ClinVar's aggregate classification.

Literature cited by the submitters: PubMed 17576681 (cited by Labcorp Genetics (formerly Invitae), Labcorp); PubMed 9536098 (cited by Labcorp Genetics (formerly Invitae), Labcorp).

NM_001378454.1(ALMS1):c.1432+5G>A

Gene: ALMS1 (ALMS1 centrosome and basal body associated protein; plus strand). Cytogenetic location: 2p13.1.
Variant type: single nucleotide variant.
Coding change: c.1432+5G>A on transcript NM_001378454.1 (MANE Select); 5 bases into the intron after coding-DNA position 1432, G replaced by A.
Molecular consequence: intron variant.
Genome position (GRCh38, 1-based): chr2:73,432,296, G>A. VCF-style: chr2-73432296-G-A. GRCh37 (hg19) VCF-style: chr2-73659424-G-A.
Other names: c.1435+5G>A (NM_015120.4); c.1432+5G>A (NM_015120.4).
Identifiers: ClinVar variation 555621 (VCV000555621.14), dbSNP rs755613962, ClinGen allele CA1713154.